The following is an entry in ClinVar:

ClinVar aggregate classification (germline): Likely benign (0 of 4 stars; one submission).

Conditions:
CSDE1-related disorder. Also called: CSDE1-related condition.

Allele frequency attached by ClinVar (database versions not stated): gnomAD 0.00001; ExAC 0.00002; gnomAD exomes 0.00002.
gnomAD v4.1: 36 of 1,613,650 alleles (0.0022%); highest among the groups gnomAD compares: Middle Eastern, 0.033%; no homozygotes.

Submission:

PreventionGenetics, part of Exact Sciences
Classification: Likely benign for CSDE1-related condition. Last evaluated: 2023-08-18. Review status: no assertion criteria provided. Collection method: clinical testing. Allele origin: germline.
Comment: This variant is classified as likely benign based on ACMG/AMP sequence variant interpretation guidelines (Richards et al. 2015 PMID: 25741868, with internal and published modifications).

NM_001007553.3(CSDE1):c.222A>G (p.Ser74=)

Gene: CSDE1 (cold shock domain containing E1; minus strand). Cytogenetic location: 1p13.2.
Variant type: single nucleotide variant.
Coding change: c.222A>G on transcript NM_001007553.3 (MANE Select); coding-DNA position 222, A replaced by G.
Protein change: p.Ser74=; no amino-acid change (serine 74 retained).
Molecular consequence: synonymous variant.
Genome position (GRCh38, 1-based): chr1:114,738,050, T>C on the plus strand (A>G on the coding strand, the complement: CSDE1 is on the minus strand). VCF-style: chr1-114738050-T-C. GRCh37 (hg19) VCF-style: chr1-115280671-T-C.
Other names: c.360A>G, p.Ser120= (NM_001130523.3, NM_001242891.2); c.222A>G, p.Ser74= (NM_001242892.2, NM_001242893.2, NM_007158.6).
Identifiers: ClinVar variation 3050575 (VCV003050575.2), dbSNP rs759237728, ClinGen allele CA1021363.